The following is an entry in ClinVar:

ClinVar aggregate classification (germline): Pathogenic/Likely pathogenic. Review status: criteria provided, multiple submitters, no conflicts (2 of 4 stars). 2 submissions from 2 submitters: Pathogenic (1); Likely pathogenic (1). Last evaluated 2026-09-08.

Conditions:
Fabry disease. Also called: Fabry's disease; Angiokeratoma corporis diffusum; GLA DEFICIENCY; HEREDITARY DYSTOPIC LIPIDOSIS; ALPHA-GALACTOSIDASE A DEFICIENCY; ANDERSON-FABRY DISEASE. Identifiers: Orphanet 324, MedGen C0002986, MONDO:0010526, OMIM 301500, HP:0001071. Disease mechanism: loss of function, Fabry disease is due to inactivating mutations in the X-linked GLA gene resulting in deficiency of the enzyme Alpha Galactosidase-A..

Submissions (2):

Genomenon, Inc
Classification: Likely pathogenic for Fabry disease. Last evaluated: 2026-09-08. Review status: criteria provided, single submitter. Criteria: Genomenon Sequence Variant Interpretation Standards - Updated. Collection method: curation. Allele origin: germline. Affected: yes.
Comment: GLA p.Cys174Arg (c.520T>C) is a missense variant that changes the amino acid at codon 174 from Cysteine to Arginine. This variant has been observed in at least one proband with clinical features consistent with Fabry disease (PMID:39211682;30723321;30206291;20367968;27657681). The variant was found to segregate with disease in at least one affected family (PMID:39211682). At least one functional study has demonstrated a substantial alteration in protein function relative to the wild-type (PMID:26044846). It is absent or not present at a significant frequency in gnomAD. In conclusion, we classify GLA p.Cys174Arg (c.520T>C) as a likely pathogenic variant.

Labcorp Genetics (formerly Invitae), Labcorp
Classification: Pathogenic for Fabry disease. Last evaluated: 2019-02-19. Review status: criteria provided, single submitter. Criteria: Invitae Variant Classification Sherloc (09022015). Collection method: clinical testing. Allele origin: germline.
Comment: This variant has been observed in several individuals and families affected with GLA-related conditions (PMID: 20367968, Invitae). This variant is not present in population databases (ExAC no frequency). This sequence change replaces cysteine with arginine at codon 174 of the GLA protein (p.Cys174Arg). The cysteine residue is moderately conserved and there is a large physicochemical difference between cysteine and arginine. This variant has been reported to affect GLA protein function (PMID: 27657681, 26044846). For these reasons, this variant has been classified as Pathogenic.

Literature cited by the submitters: PubMed 39211682 (cited by Genomenon, Inc); PubMed 30723321 (cited by Genomenon, Inc); PubMed 30206291 (cited by Genomenon, Inc); PubMed 20367968 (cited by Genomenon, Inc and Labcorp Genetics (formerly Invitae), Labcorp); PubMed 27657681 (cited by Genomenon, Inc and Labcorp Genetics (formerly Invitae), Labcorp); PubMed 26044846 (cited by Genomenon, Inc and Labcorp Genetics (formerly Invitae), Labcorp).

NM_000169.3(GLA):c.520T>C (p.Cys174Arg)

Genes: GLA (galactosidase alpha; minus strand), RPL36A-HNRNPH2 (RPL36A-HNRNPH2 readthrough; plus strand). Cytogenetic location: Xq22.1.
Variant type: single nucleotide variant.
Coding change: c.520T>C on transcript NM_000169.3 (MANE Select); coding-DNA position 520, T replaced by C.
Protein change: p.Cys174Arg; replaces cysteine 174 with arginine.
Molecular consequence: missense variant. On other transcripts: non-coding transcript variant (3), intron variant (2).
Genome position (GRCh38, 1-based): chrX:101,401,659, A>G on the plus strand (T>C on the coding strand, the complement: GLA is on the minus strand). VCF-style: chrX-101401659-A-G. GRCh37 (hg19) VCF-style: chrX-100656647-A-G.
Other names: c.643T>C, p.Cys215Arg (NM_001406747.1, NM_001406749.1); c.520T>C, p.Cys174Arg (NM_001406748.1); c.300+6202A>G (NM_001199973.2); c.177+9837A>G (NM_001199974.2); short protein forms C174R, C215R.
Identifiers: ClinVar variation 641501 (VCV000641501.12), dbSNP rs181562693, ClinGen allele CA413928761.